The following is an entry in ClinVar:

ClinVar aggregate classification (germline): Likely benign (1 of 4 stars; one submission).

gnomAD v4.1: 487 of 1,580,290 alleles (0.031%); highest among the groups gnomAD compares: African/African-American, 0.096%; no homozygotes.

Submission:

CeGaT Center for Human Genetics Tuebingen
Classification: Likely benign. Last evaluated: 2025-12-01. Review status: criteria provided, single submitter. Criteria: CeGaT Center For Human Genetics Tuebingen Variant Classification Criteria Version 2. Collection method: clinical testing. Allele origin: germline. Affected: yes. Observed: 1 variant allele.
Comment: ADGRL1: BP4, BP7

NM_014921.5(ADGRL1):c.1458G>A (p.Pro486=)

Genes: ADGRL1 (adhesion G protein-coupled receptor L1; minus strand), ADGRL1-AS1 (ADGRL1 antisense RNA 1; plus strand). Cytogenetic location: 19p13.12.
Variant type: single nucleotide variant.
Coding change: c.1458G>A on transcript NM_014921.5 (MANE Select); coding-DNA position 1458, G replaced by A.
Protein change: p.Pro486=; no amino-acid change (proline 486 retained).
Molecular consequence: synonymous variant.
Genome position (GRCh38, 1-based): chr19:14,161,364, C>T on the plus strand (G>A on the coding strand, the complement: ADGRL1 is on the minus strand). VCF-style: chr19-14161364-C-T. GRCh37 (hg19) VCF-style: chr19-14272176-C-T.
Other names: c.1473G>A, p.Pro491= (NM_001008701.3).
Identifiers: ClinVar variation 4681366 (VCV004681366.5).
Genomic context (GRCh38, chr19:14,161,364, plus strand): 5'-GTACTCACCTCGAGTCCCCTTGGGGCAGGGCCTCTCCACCAGCATGCCCTGCTGGGTGGC[C>T]GGCCACTGGACCCGCCGTACCTCTCGGGGCTCGCAGAAGAGCTCAGGGGACACGTGTAGA-3'
Protein context (NP_055736.2, residues 476-496): EPREVRRVQW[Pro486=]ATQQGMLVER